The following is an entry in ClinVar:

ClinVar aggregate classification (germline): Likely benign. Review status: criteria provided, multiple submitters, no conflicts (2 of 4 stars). 2 submissions from 2 submitters: Likely benign (2). Last evaluated 2025-08-13.

Conditions:
Koolen-de Vries syndrome (KDVS). Identifiers: Orphanet 96169, MedGen C1864871, MONDO:0012496, OMIM 610443.

Allele frequency attached by ClinVar (database versions not stated): ExAC 0.00002; TOPMed 0.00003.
gnomAD v4.1: 35 of 1,601,798 alleles (0.0022%); highest among the groups gnomAD compares: Non-Finnish European, 0.0029%; no homozygotes.

Submissions (2):

Labcorp Genetics (formerly Invitae), Labcorp
Classification: Likely benign for Koolen-de Vries syndrome. Last evaluated: 2025-08-13. Review status: criteria provided, single submitter. Criteria: Invitae Variant Classification Sherloc (09022015). Collection method: clinical testing. Allele origin: germline.

GeneDx
Classification: Likely benign. Last evaluated: 2016-08-23. Review status: criteria provided, single submitter. Criteria: GeneDx Variant Classification (06012015). Collection method: clinical testing. Allele origin: germline. Affected: yes.
Comment: This variant is considered likely benign or benign based on one or more of the following criteria: it is a conservative change, it occurs at a poorly conserved position in the protein, it is predicted to be benign by multiple in silico algorithms, and/or has population frequency not consistent with disease.

NM_015443.4(KANSL1):c.2392+15A>G

Gene: KANSL1 (KAT8 regulatory NSL complex subunit 1). Cytogenetic location: 17q21.31.
Variant type: single nucleotide variant.
Coding change: c.2392+15A>G on transcript NM_015443.4 (MANE Select); 15 bases into the intron after coding-DNA position 2392, A replaced by G.
Molecular consequence: intron variant.
Genome position (GRCh38, 1-based): chr17:46,039,012, T>C on the plus strand (A>G on the coding strand, the complement: KANSL1 is on the minus strand). VCF-style: chr17-46039012-T-C. GRCh37 (hg19) VCF-style: chr17-44116378-T-C.
Other names: c.2392+15A>G (NM_001193465.2, NM_001379198.1, NM_001193466.2).
Identifiers: ClinVar variation 388818 (VCV000388818.5), dbSNP rs769760161, ClinGen allele CA8618592.